The following is an entry in ClinVar:

ClinVar aggregate classification (germline): Uncertain significance. Review status: criteria provided, multiple submitters, no conflicts (2 of 4 stars). 2 submissions from 2 submitters: Uncertain significance (2). Last evaluated 2025-03-26.

Allele frequency attached by ClinVar (database versions not stated): gnomAD 0.00001; gnomAD exomes 0.00001.
gnomAD v4.1: 17 of 1,588,598 alleles (0.0011%); highest among the groups gnomAD compares: Middle Eastern, 0.017%; no homozygotes.

Submissions (2):

Ambry Genetics
Classification: Uncertain significance. Last evaluated: 2025-03-26. Review status: criteria provided, single submitter. Criteria: Ambry Variant Classification Scheme 2023. Collection method: clinical testing. Allele origin: germline.

Labcorp Genetics (formerly Invitae), Labcorp
Classification: Uncertain significance. Last evaluated: 2023-11-28. Review status: criteria provided, single submitter. Criteria: Invitae Variant Classification Sherloc (09022015). Collection method: clinical testing. Allele origin: germline.
Comment: This sequence change replaces isoleucine, which is neutral and non-polar, with methionine, which is neutral and non-polar, at codon 118 of the CLUAP1 protein (p.Ile118Met). This variant is present in population databases (rs200244691, gnomAD 0.02%). This variant has not been reported in the literature in individuals affected with CLUAP1-related conditions. ClinVar contains an entry for this variant (Variation ID: 1413769). Advanced modeling of protein sequence and biophysical properties (such as structural, functional, and spatial information, amino acid conservation, physicochemical variation, residue mobility, and thermodynamic stability) performed at Invitae indicates that this missense variant is not expected to disrupt CLUAP1 protein function with a negative predictive value of 80%. In summary, the available evidence is currently insufficient to determine the role of this variant in disease. Therefore, it has been classified as a Variant of Uncertain Significance.

NM_015041.3(CLUAP1):c.354A>G (p.Ile118Met)

Gene: CLUAP1 (clusterin associated protein 1; plus strand). Cytogenetic location: 16p13.3.
Variant type: single nucleotide variant.
Coding change: c.354A>G on transcript NM_015041.3 (MANE Select); coding-DNA position 354, A replaced by G.
Protein change: p.Ile118Met; replaces isoleucine 118 with methionine.
Molecular consequence: missense variant.
Genome position (GRCh38, 1-based): chr16:3,508,423, A>G. VCF-style: chr16-3508423-A-G. GRCh37 (hg19) VCF-style: chr16-3558423-A-G.
Other names: c.354A>G, p.Ile118Met (NM_001330454.2); c.354A>G (NM_015041.1); short protein forms I118M.
Identifiers: ClinVar variation 1413769 (VCV001413769.10), dbSNP rs200244691, ClinGen allele CA7863692.